The following is an entry in ClinVar:

ClinVar aggregate classification (germline): Uncertain significance (1 of 4 stars; one submission).

Allele frequency attached by ClinVar (database versions not stated): gnomAD exomes below 0.00001.
gnomAD v4.1: 1 of 1,613,090 alleles (0.000062%); highest among the groups gnomAD compares: Non-Finnish European, 0.000085%; no homozygotes.

Submission:

GeneDx
Classification: Uncertain significance. Last evaluated: 2016-04-04. Review status: criteria provided, single submitter. Criteria: GeneDx Variant Classification (06012015). Collection method: clinical testing. Allele origin: germline. Affected: yes.
Comment: The V346A variant in the CNNM2 gene has not been reported previously as a pathogenic variant, nor as a benign variant, to our knowledge. The V346A variant was not observed in approximately 6,500 individuals of European and African American ancestry in the NHLBI Exome Sequencing Project, indicating it is not a common benign variant in these populations. The V346A variant is a conservative amino acid substitution, which is not likely to impact secondary protein structure as these residues share similar properties. This substitution occurs at a position that is conserved across species. In silico analysis is inconsistent in its predictions as to whether or not the variant is damaging to the protein structure/function. We interpret V346A as a variant of uncertain significance.

NM_017649.5(CNNM2):c.1037T>C (p.Val346Ala)

Gene: CNNM2 (cyclin and CBS domain divalent metal cation transport mediator 2; plus strand). Cytogenetic location: 10q24.32.
Variant type: single nucleotide variant.
Coding change: c.1037T>C on transcript NM_017649.5 (MANE Select); coding-DNA position 1037, T replaced by C.
Protein change: p.Val346Ala; replaces valine 346 with alanine.
Molecular consequence: missense variant.
Genome position (GRCh38, 1-based): chr10:102,919,517, T>C. VCF-style: chr10-102919517-T-C. GRCh37 (hg19) VCF-style: chr10-104679274-T-C.
Other names: c.1037T>C, p.Val346Ala (NM_199076.3, NM_199077.3); short protein forms V346A.
Identifiers: ClinVar variation 420897 (VCV000420897.2), dbSNP rs1064794775, ClinGen allele CA16618924.